The following is an entry in ClinVar:

NM_005431.2(XRCC2):c.262G>T (p.Asp88Tyr)

Gene: XRCC2 (X-ray repair cross complementing 2; minus strand). Cytogenetic location: 7q36.1.
Variant type: single nucleotide variant.
Coding change: c.262G>T on transcript NM_005431.2 (MANE Select); coding-DNA position 262, G replaced by T.
Protein change: p.Asp88Tyr; replaces aspartic acid 88 with tyrosine.
Molecular consequence: missense variant.
Genome position (GRCh38, 1-based): chr7:152,649,223, C>A on the plus strand (G>T on the coding strand, the complement: XRCC2 is on the minus strand). VCF-style: chr7-152649223-C-A. GRCh37 (hg19) VCF-style: chr7-152346308-C-A.
Other names: short protein forms D88Y.
Identifiers: ClinVar variation 420975 (VCV000420975.15), dbSNP rs958403796, ClinGen allele CA16618436.

ClinVar aggregate classification (germline): Uncertain significance. Review status: criteria provided, multiple submitters, no conflicts (2 of 4 stars). 3 submissions from 3 submitters: Uncertain significance (3). Last evaluated 2024-04-07.

Conditions:
Hereditary cancer-predisposing syndrome. Also called: Hereditary neoplastic syndrome; Tumor predisposition; Neoplastic Syndromes, Hereditary; Hereditary Cancer Syndrome. Identifiers: Orphanet 140162, MedGen C0027672, MeSH D009386, MONDO:0015356.

Allele frequency attached by ClinVar (database versions not stated): gnomAD 0.00001 and 0.00002; TOPMed 0.00001.
gnomAD v4.1: 2 of 1,613,760 alleles (0.00012%); highest among the groups gnomAD compares: Non-Finnish European, 0.00017%; no homozygotes.

Submissions (3):

Ambry Genetics
Classification: Uncertain significance for Hereditary cancer-predisposing syndrome. Last evaluated: 2024-04-07. Review status: criteria provided, single submitter. Criteria: Ambry Variant Classification Scheme 2023. Collection method: clinical testing. Allele origin: germline.
Comment: The p.D88Y variant (also known as c.262G>T), located in coding exon 3 of the XRCC2 gene, results from a G to T substitution at nucleotide position 262. The aspartic acid at codon 88 is replaced by tyrosine, an amino acid with highly dissimilar properties. This amino acid position is highly conserved in available vertebrate species. In addition, this alteration is predicted to be deleterious by in silico analysis. Since supporting evidence is limited at this time, the clinical significance of this alteration remains unclear.

Labcorp Genetics (formerly Invitae), Labcorp
Classification: Uncertain significance. Last evaluated: 2021-05-06. Review status: criteria provided, single submitter. Criteria: Invitae Variant Classification Sherloc (09022015). Collection method: clinical testing. Allele origin: germline.
Comment: In summary, the available evidence is currently insufficient to determine the role of this variant in disease. Therefore, it has been classified as a Variant of Uncertain Significance. Algorithms developed to predict the effect of missense changes on protein structure and function (SIFT, PolyPhen-2, Align-GVGD) all suggest that this variant is likely to be disruptive, but these predictions have not been confirmed by published functional studies and their clinical significance is uncertain. This variant has not been reported in the literature in individuals with XRCC2-related conditions. ClinVar contains an entry for this variant (Variation ID: 420975). This variant is not present in population databases (ExAC no frequency). This sequence change replaces aspartic acid with tyrosine at codon 88 of the XRCC2 protein (p.Asp88Tyr). The aspartic acid residue is highly conserved and there is a large physicochemical difference between aspartic acid and tyrosine.

GeneDx
Classification: Uncertain significance. Last evaluated: 2016-04-18. Review status: criteria provided, single submitter. Criteria: GeneDx Variant Classification (06012015). Collection method: clinical testing. Allele origin: germline. Affected: yes.
Comment: This variant is denoted XRCC2 c.262G>T at the cDNA level, p.Asp88Tyr (D88Y) at the protein level, and results in the change of an Aspartic Acid to a Tyrosine (GAT>TAT). This variant has not, to our knowledge, been published in the literature as pathogenic or benign. XRCC2 Asp88Tyr was not observed in approximately 6,500 individuals of European and African American ancestry in the NHLBI Exome Sequencing Project, suggesting it is not a common benign variant in these populations. Since Aspartic Acid and Tyrosine differ in polarity, charge, size or other properties, this is considered a non-conservative amino acid substitution. XRCC2 Asp88Tyr occurs at a position that is conserved across species and is located within the ATPase domain (Kim 2011). In silico analyses predict that this variant is probably damaging to protein structure and function. Based on currently available evidence, it is unclear whether XRCC2 Asp88Tyr is a pathogenic or benign variant. We consider it to be a variant of uncertain significance.